The following is an entry in ClinVar:

ClinVar aggregate classification (germline): Pathogenic. Review status: criteria provided, multiple submitters, no conflicts (2 of 4 stars). 6 submissions from 5 submitters: Pathogenic (4). 2 of the submissions do not count toward it. Last evaluated 2025-11-25.

Conditions:
Osteochondrodysplasia. Identifiers: MedGen C0029422, MONDO:0005516.
SLC26A2-related disorder. Also called: SLC26A2-related condition; SLC26A2-related disorders. Identifiers: MedGen CN239404.
Atelosteogenesis type II (AO2). Also called: NEONATAL OSSEOUS DYSPLASIA I; Neonatal osseous dysplasia 1; SLC26A2-Related Atelosteogenesis. Identifiers: Orphanet 56304, MedGen C1850554, MONDO:0009727, OMIM 256050.
Multiple epiphyseal dysplasia type 4 (EDM4). Also called: MULTIPLE EPIPHYSEAL DYSPLASIA WITH BILAYERED PATELLAE; MULTIPLE EPIPHYSEAL DYSPLASIA WITH CLUBFOOT; MULTIPLE EPIPHYSEAL DYSPLASIA, AUTOSOMAL RECESSIVE; Multiple Epiphyseal Dysplasia, Recessive; SLC26A2-Related Multiple Epiphyseal Dysplasia. Identifiers: Orphanet 93307, MedGen C1847593, MONDO:0009189, OMIM 226900.
Diastrophic dysplasia (DTD). Also called: Diastrophic dwarfism. Identifiers: Orphanet 628, MedGen C0220726, MONDO:0009107, OMIM 222600.
Achondrogenesis, type IB (ACG1B). Also called: Achondrogenesis Type 1B. Identifiers: Orphanet 932, Orphanet 93298, MedGen C0265274, MONDO:0010966, OMIM 600972.

Allele frequency attached by ClinVar (database versions not stated): gnomAD 0.00001; ExAC 0.00005; gnomAD exomes 0.00005.

Submissions (6):

Labcorp Genetics (formerly Invitae), Labcorp
Classification: Pathogenic for Atelosteogenesis type II; Multiple epiphyseal dysplasia type 4; Achondrogenesis, type IB; Diastrophic dysplasia. Last evaluated: 2025-11-25. Review status: criteria provided, single submitter. Criteria: Invitae Variant Classification Sherloc (09022015). Collection method: clinical testing. Allele origin: germline.
Comment: This sequence change replaces threonine, which is neutral and polar, with lysine, which is basic and polar, at codon 512 of the SLC26A2 protein (p.Thr512Lys). This variant is present in population databases (rs121908078, gnomAD 0.04%). This missense change has been observed in individual(s) with clinical features of SLC26A2-related conditions (PMID: 18708426, 30423444). In at least one individual the data is consistent with being in trans (on the opposite chromosome) from a pathogenic variant. It has also been observed to segregate with disease in related individuals. ClinVar contains an entry for this variant (Variation ID: 4099). Invitae Evidence Modeling of protein sequence and biophysical properties (such as structural, functional, and spatial information, amino acid conservation, physicochemical variation, residue mobility, and thermodynamic stability) indicates that this missense variant is not expected to disrupt SLC26A2 protein function with a negative predictive value of 80%. Experimental studies have shown that this missense change affects SLC26A2 function (PMID: 18708426). For these reasons, this variant has been classified as Pathogenic.

Laboratory of Functional Genomics, Research Centre for Medical Genetics
Classification: Pathogenic for Multiple epiphyseal dysplasia type 4. Last evaluated: 2025-11-25. Review status: criteria provided, single submitter. Criteria: ACMG Guidelines, 2015. Collection method: clinical testing. Allele origin: germline. Inheritance: Autosomal recessive inheritance. Affected: yes. Observed: 2 variant alleles.
Comment: This variant is present in the gnomAD v4.1.0 database with a total AF of 1.67e-5 (27/1613944 alleles).This variant p.Thr512Lys was identified in a compound heterozygous state with p.Cys653Ser in two related patients with an rMED. Furthermore, this variant in the homozygous state was reported by Bonafe et al., 2008 in two patients with AO2. The same study reported it in a compound heterozygous state with the c.-26+2T>C variant in one patient with DTD, and it was also observed in another patient in the Paganini et al., 2023 study. Additionally, it has been described in three patients with rMED in a compound heterozygous state with p.Arg279Trp (Makitie et al., 2015; Kausar et al., 2018; Syvänen et al., 2013).

Women's Health and Genetics/Laboratory Corporation of America, LabCorp
Classification: Pathogenic for Osteochondrodysplasia. Last evaluated: 2024-06-25. Review status: criteria provided, single submitter. Criteria: LabCorp Variant Classification Summary - May 2015. Collection method: clinical testing. Allele origin: germline.
Comment: Variant summary: SLC26A2 c.1535C>A (p.Thr512Lys) results in a non-conservative amino acid change located in the SLC26A/SulP transporter domain (IPR011547) of the encoded protein sequence. Five of five in-silico tools predict a damaging effect of the variant on protein function. The variant allele was found at a frequency of 4.8e-05 in 251120 control chromosomes. This frequency is not significantly higher than estimated for a pathogenic variant in SLC26A2 causing Sulfate Transporter-Related Osteochondrodysplasia (4.8e-05 vs 0.003), allowing no conclusion about variant significance. c.1535C>A has been reported in the literature in multiple individuals affected with diastrophic dysplasia (DTD) (example: Bonafe_2008). These data indicate that the variant is very likely to be associated with disease. At least one publication reports experimental evidence evaluating an impact on protein function. The most pronounced variant effect resulted in sulfate transporter activity similar to non-transfected cells or transfected with the vector alone (example: Bonafe_2008). The following publication has been ascertained in the context of this evaluation (PMID: 18708426). ClinVar contains an entry for this variant (Variation ID: 4099). Based on the evidence outlined above, the variant was classified as pathogenic.

Blueprint Genetics
Classification: Pathogenic for SLC26A2-related disorders. Last evaluated: 2023-01-31. Review status: criteria provided, single submitter. Criteria: ACMG Guidelines, 2015. Collection method: clinical testing. Allele origin: germline. Affected: yes. Observed: 3 variant alleles.

OMIM
Classification: Pathogenic for ATELOSTEOGENESIS, TYPE II. Last evaluated: 2008-12-01. Review status: no assertion criteria provided. Collection method: literature only. Allele origin: germline. Not counted in ClinVar's aggregate classification.

OMIM
Classification: Pathogenic for DIASTROPHIC DYSPLASIA. Last evaluated: 2008-12-01. Review status: no assertion criteria provided. Collection method: literature only. Allele origin: germline. Not counted in ClinVar's aggregate classification.

Literature cited by the submitters: PubMed 18708426 (cited by 4 submitters); PubMed 30423444 (cited by Labcorp Genetics (formerly Invitae), Labcorp and Laboratory of Functional Genomics, Research Centre for Medical Genetics); PubMed 23613459 (cited by Laboratory of Functional Genomics, Research Centre for Medical Genetics); PubMed 24598000 (cited by Laboratory of Functional Genomics, Research Centre for Medical Genetics); PubMed 37454964 (cited by Laboratory of Functional Genomics, Research Centre for Medical Genetics); PubMed 4644462 (cited by OMIM).

NM_000112.4(SLC26A2):c.1535C>A (p.Thr512Lys)

Gene: SLC26A2 (solute carrier family 26 member 2; plus strand). Cytogenetic location: 5q32.
Variant type: single nucleotide variant.
Coding change: c.1535C>A on transcript NM_000112.4 (MANE Select); coding-DNA position 1535, C replaced by A.
Protein change: p.Thr512Lys; replaces threonine 512 with lysine.
Molecular consequence: missense variant.
Genome position (GRCh38, 1-based): chr5:149,981,128, C>A. VCF-style: chr5-149981128-C-A. GRCh37 (hg19) VCF-style: chr5-149360691-C-A.
Other names: short protein forms T512K.
Identifiers: ClinVar variation 4099 (VCV000004099.10), dbSNP rs121908078, ClinGen allele CA116649.